The following is an entry in ClinVar:

ClinVar aggregate classification (germline): Conflicting classifications of pathogenicity. Review status: criteria provided, conflicting classifications (1 of 4 stars). 2 submissions from 2 submitters: Uncertain significance (1); Likely benign (1). Last evaluated 2025-08-13.

Conditions:
Hereditary cancer-predisposing syndrome. Also called: Hereditary Cancer Syndrome; Neoplastic Syndromes, Hereditary; Tumor predisposition; Hereditary neoplastic syndrome. Identifiers: Orphanet 140162, MedGen C0027672, MeSH D009386, MONDO:0015356.
Neuroblastoma, susceptibility to, 3. Also called: ALK-Related Neuroblastic Tumor Susceptibility. Identifiers: Orphanet 635, MedGen C2751681, MONDO:0013083, OMIM 613014.

Submissions (2):

Ambry Genetics
Classification: Likely benign for Hereditary cancer-predisposing syndrome. Last evaluated: 2025-08-13. Review status: criteria provided, single submitter. Criteria: Ambry Variant Classification Scheme 2023. Collection method: clinical testing. Allele origin: germline.

Labcorp Genetics (formerly Invitae), Labcorp
Classification: Uncertain significance for Neuroblastoma, susceptibility to, 3. Last evaluated: 2021-03-07. Review status: criteria provided, single submitter. Criteria: Invitae Variant Classification Sherloc (09022015). Collection method: clinical testing. Allele origin: germline.
Comment: This variant has not been reported in the literature in individuals with ALK-related conditions. This variant is not present in population databases (ExAC no frequency). This sequence change creates a premature translational stop signal (p.Arg65Valfs*16) in the ALK gene. It is expected to result in an absent or disrupted protein product. However, the current clinical and genetic evidence is not sufficient to establish whether loss-of-function variants in ALK cause disease. In summary, the available evidence is currently insufficient to determine the role of this variant in disease. Therefore, it has been classified as a Variant of Uncertain Significance.

NM_004304.5(ALK):c.193del (p.Arg65fs)

Gene: ALK (ALK receptor tyrosine kinase; minus strand). Cytogenetic location: 2p23.1.
Variant type: Deletion.
Coding change: c.193del on transcript NM_004304.5 (MANE Select); coding-DNA position 193, one base deleted (C; older notation c.193delC).
Protein change: p.Arg65fs; shifts the reading frame from arginine 65.
Molecular consequence: frameshift variant.
Genome position (GRCh38, 1-based): chr2:29,920,467, G deleted on the plus strand (C on the coding strand, the reverse complement: ALK is on the minus strand); the first of 2 consecutive G bases (chr2:29,920,467-29,920,468); deleting either gives the same sequence. VCF-style (leftmost placement, unchanged base first): chr2-29920466-CG-C. GRCh37 (hg19) VCF-style: chr2-30143332-CG-C.
Other names: c.193delC (NM_004304.4); short protein forms R65fs.
Identifiers: ClinVar variation 1348170 (VCV001348170.7), dbSNP rs2148443715, ClinGen allele CA2573134594.